The following is an entry in ClinVar:

ClinVar aggregate classification (germline): Uncertain significance. Review status: criteria provided, multiple submitters, no conflicts (2 of 4 stars). 2 submissions from 2 submitters: Uncertain significance (2). Last evaluated 2026-07-07.

Conditions:
EGFR-related lung cancer (EGFR). Identifiers: MedGen CN130014.
Hereditary cancer-predisposing syndrome. Also called: Tumor predisposition; Hereditary neoplastic syndrome; Hereditary Cancer Syndrome; Neoplastic Syndromes, Hereditary. Identifiers: Orphanet 140162, MedGen C0027672, MeSH D009386, MONDO:0015356.

gnomAD v4.1: 1 of 1,613,826 alleles (0.000062%); highest among the groups gnomAD compares: Non-Finnish European, 0.000085%; no homozygotes.

Submissions (2):

Ambry Genetics
Classification: Uncertain significance for Hereditary cancer-predisposing syndrome. Last evaluated: 2026-07-07. Review status: criteria provided, single submitter. Criteria: Ambry Variant Classification Scheme 2023. Collection method: clinical testing. Allele origin: germline.
Comment: The p.S229G variant (also known as c.685A>G), located in coding exon 6 of the EGFR gene, results from an A to G substitution at nucleotide position 685. The serine at codon 229 is replaced by glycine, an amino acid with similar properties. This amino acid position is conserved. In addition, the in silico prediction for this alteration is inconclusive. Based on the available evidence, the clinical significance of this variant remains unclear.

Labcorp Genetics (formerly Invitae), Labcorp
Classification: Uncertain significance for EGFR-related lung cancer. Last evaluated: 2024-09-24. Review status: criteria provided, single submitter. Criteria: Invitae Variant Classification Sherloc (09022015). Collection method: clinical testing. Allele origin: germline.
Comment: This sequence change replaces serine, which is neutral and polar, with glycine, which is neutral and non-polar, at codon 229 of the EGFR protein (p.Ser229Gly). This variant is present in population databases (no rsID available, gnomAD 0.0009%). This variant has not been reported in the literature in individuals affected with EGFR-related conditions. Invitae Evidence Modeling of protein sequence and biophysical properties (such as structural, functional, and spatial information, amino acid conservation, physicochemical variation, residue mobility, and thermodynamic stability) indicates that this missense variant is not expected to disrupt EGFR protein function with a negative predictive value of 80%. In summary, the available evidence is currently insufficient to determine the role of this variant in disease. Therefore, it has been classified as a Variant of Uncertain Significance.

NM_005228.5(EGFR):c.685A>G (p.Ser229Gly)

Gene: EGFR (epidermal growth factor receptor; plus strand). Cytogenetic location: 7p11.2.
Variant type: single nucleotide variant.
Coding change: c.685A>G on transcript NM_005228.5 (MANE Select); coding-DNA position 685, A replaced by G.
Protein change: p.Ser229Gly; replaces serine 229 with glycine.
Molecular consequence: missense variant. On other transcripts: intron variant (1).
Genome position (GRCh38, 1-based): chr7:55,152,602, A>G. VCF-style: chr7-55152602-A-G. GRCh37 (hg19) VCF-style: chr7-55220295-A-G.
Other names: c.550A>G, p.Ser184Gly (NM_001346897.2, NM_001346899.2); c.685A>G, p.Ser229Gly (NM_001346898.2, NM_201282.2, NM_201283.2 and 1 more transcripts); c.526A>G, p.Ser176Gly (NM_001346900.2); c.89-3228A>G (NM_001346941.2); short protein forms S229G, S176G, S184G.
Identifiers: ClinVar variation 3719306 (VCV003719306.3).
Genomic context (GRCh38, chr7:55,152,602, plus strand): 5'-TCAGTGACCAAAATCATCTGTGCCCAGCAGTGCTCCGGGCGCTGCCGTGGCAAGTCCCCC[A>G]GTGACTGCTGCCACAACCAGTGTGCTGCAGGCTGCACAGGCCCCCGGGAGAGCGACTGCC-3'
Protein context (NP_005219.2, residues 219-239): CSGRCRGKSP[Ser229Gly]DCCHNQCAAG